The following is an entry in ClinVar:

NM_007144.3(PCGF2):c.592G>A (p.Glu198Lys)

Gene: PCGF2 (polycomb group ring finger 2; minus strand). Cytogenetic location: 17q12.
Variant type: single nucleotide variant.
Coding change: c.592G>A on transcript NM_007144.3 (MANE Select); coding-DNA position 592, G replaced by A.
Protein change: p.Glu198Lys; replaces glutamic acid 198 with lysine.
Molecular consequence: missense variant.
Genome position (GRCh38, 1-based): chr17:38,736,155, C>T on the plus strand (G>A on the coding strand, the complement: PCGF2 is on the minus strand). VCF-style: chr17-38736155-C-T. GRCh37 (hg19) VCF-style: chr17-36892408-C-T.
Other names: c.592G>A, p.Glu198Lys (NM_001369614.1, NM_001369615.1); short protein forms E198K.
Identifiers: ClinVar variation 1679580 (VCV001679580.4), dbSNP rs568535028, ClinGen allele CA8524919.

ClinVar aggregate classification (germline): Uncertain significance. Review status: criteria provided, multiple submitters, no conflicts (2 of 4 stars). 2 submissions from 2 submitters: Uncertain significance (2). Last evaluated 2025-07-13.

Conditions:
Turnpenny-fry syndrome. Also called: NEUROCARDIOSKELETAL SYNDROME. Identifiers: Orphanet 688642, MedGen C5193060, MONDO:0032707, OMIM 618371.

Allele frequency attached by ClinVar (database versions not stated): gnomAD exomes 0.00003 and 0.00002; TOPMed 0.00002; ExAC 0.00003; gnomAD 0.00002.
gnomAD v4.1: 33 of 1,574,162 alleles (0.0021%); highest among the groups gnomAD compares: East Asian, 0.0093%; no homozygotes.

Submissions (2):

Labcorp Genetics (formerly Invitae), Labcorp
Classification: Uncertain significance. Last evaluated: 2025-07-13. Review status: criteria provided, single submitter. Criteria: Invitae Variant Classification Sherloc (09022015). Collection method: clinical testing. Allele origin: germline.
Comment: This sequence change replaces glutamic acid, which is acidic and polar, with lysine, which is basic and polar, at codon 198 of the PCGF2 protein (p.Glu198Lys). This variant is present in population databases (rs568535028, gnomAD 0.01%). This variant has not been reported in the literature in individuals affected with PCGF2-related conditions. ClinVar contains an entry for this variant (Variation ID: 1679580). Invitae Evidence Modeling of protein sequence and biophysical properties (such as structural, functional, and spatial information, amino acid conservation, physicochemical variation, residue mobility, and thermodynamic stability) indicates that this missense variant is not expected to disrupt PCGF2 protein function with a negative predictive value of 80%. In summary, the available evidence is currently insufficient to determine the role of this variant in disease. Therefore, it has been classified as a Variant of Uncertain Significance.

New York Genome Center
Classification: Uncertain significance for Turnpenny-fry syndrome. Last evaluated: 2021-06-14. Review status: criteria provided, single submitter. Criteria: NYGC Assertion Criteria 2020. Collection method: clinical testing. Allele origin: germline. Observed: 1 heterozygote. Study: CSER-NYCKidSeq.